The following is an entry in ClinVar:

ClinVar aggregate classification (germline): Uncertain significance (1 of 4 stars; one submission).

Conditions:
Charcot-Marie-Tooth disease type 2. Also called: Charcot-Marie-Tooth type 2. Identifiers: Orphanet 64746, MedGen C0270914, MONDO:0018993.

Allele frequency attached by ClinVar (database versions not stated): gnomAD exomes below 0.00001.
gnomAD v4.1: 2 of 1,614,184 alleles (0.00012%); highest among the groups gnomAD compares: Non-Finnish European, 0.000085%; no homozygotes.

Submission:

Labcorp Genetics (formerly Invitae), Labcorp
Classification: Uncertain significance for Charcot-Marie-Tooth disease type 2. Last evaluated: 2021-12-27. Review status: criteria provided, single submitter. Criteria: Invitae Variant Classification Sherloc (09022015). Collection method: clinical testing. Allele origin: germline.
Comment: This sequence change replaces cysteine, which is neutral and slightly polar, with tyrosine, which is neutral and polar, at codon 534 of the MFN2 protein (p.Cys534Tyr). In summary, the available evidence is currently insufficient to determine the role of this variant in disease. Therefore, it has been classified as a Variant of Uncertain Significance. Advanced modeling of protein sequence and biophysical properties (such as structural, functional, and spatial information, amino acid conservation, physicochemical variation, residue mobility, and thermodynamic stability) performed at Invitae indicates that this missense variant is expected to disrupt MFN2 protein function. This variant has not been reported in the literature in individuals affected with MFN2-related conditions. This variant is not present in population databases (gnomAD no frequency).

NM_014874.4(MFN2):c.1601G>A (p.Cys534Tyr)

Gene: MFN2 (mitofusin 2; plus strand). Cytogenetic location: 1p36.22.
Variant type: single nucleotide variant.
Coding change: c.1601G>A on transcript NM_014874.4 (MANE Select); coding-DNA position 1601, G replaced by A.
Protein change: p.Cys534Tyr; replaces cysteine 534 with tyrosine.
Molecular consequence: missense variant.
Genome position (GRCh38, 1-based): chr1:12,005,816, G>A. VCF-style: chr1-12005816-G-A. GRCh37 (hg19) VCF-style: chr1-12065873-G-A.
Other names: c.1601G>A, p.Cys534Tyr (NM_001127660.2); short protein forms C534Y.
Identifiers: ClinVar variation 2044669 (VCV002044669.4), dbSNP rs2523087839, ClinGen allele CA338448041.